The following is an entry in ClinVar:

NM_004928.3(CFAP410):c.291C>T (p.Asn97=)

Gene: CFAP410 (cilia and flagella associated protein 410; minus strand). Cytogenetic location: 21q22.3.
Variant type: single nucleotide variant.
Coding change: c.291C>T on transcript NM_004928.3 (MANE Select); coding-DNA position 291, C replaced by T.
Protein change: p.Asn97=; no amino-acid change (asparagine 97 retained).
Molecular consequence: synonymous variant.
Genome position (GRCh38, 1-based): chr21:44,333,115, G>A on the plus strand (C>T on the coding strand, the complement: CFAP410 is on the minus strand). VCF-style: chr21-44333115-G-A. GRCh37 (hg19) VCF-style: chr21-45752998-G-A.
Other names: c.291C>T, p.Asn97= (NM_001271440.2, NM_001271441.2); c.168C>T, p.Asn56= (NM_001271442.1); c.291C>T (NM_004928.2).
Identifiers: ClinVar variation 2060203 (VCV002060203.5), dbSNP rs1331156986, ClinGen allele CA512670903.

ClinVar aggregate classification (germline): Likely benign. Review status: criteria provided, single submitter (1 of 4 stars). 2 submissions from 2 submitters: Likely benign (1). 1 of the submissions does not count toward it. Last evaluated 2025-07-22.

Conditions:
CFAP410-related disorder. Also called: CFAP410-related condition.

Allele frequency attached by ClinVar (database versions not stated): TOPMed 0.00001.

Submissions (2):

Labcorp Genetics (formerly Invitae), Labcorp
Classification: Likely benign. Last evaluated: 2025-07-22. Review status: criteria provided, single submitter. Criteria: Invitae Variant Classification Sherloc (09022015). Collection method: clinical testing. Allele origin: germline.

PreventionGenetics, part of Exact Sciences
Classification: Likely benign for CFAP410-related condition. Last evaluated: 2023-07-18. Review status: no assertion criteria provided. Collection method: clinical testing. Allele origin: germline. Not counted in ClinVar's aggregate classification.
Comment: This variant is classified as likely benign based on ACMG/AMP sequence variant interpretation guidelines (Richards et al. 2015 PMID: 25741868, with internal and published modifications).